The following is an entry in ClinVar:

ClinVar aggregate classification (germline): Uncertain significance. Review status: criteria provided, multiple submitters, no conflicts (2 of 4 stars). 2 submissions from 2 submitters: Uncertain significance (2). Last evaluated 2024-12-20.

Conditions:
Inborn genetic diseases. Identifiers: MedGen C0950123, MeSH D030342.
Acute myeloid leukemia (AML). Also called: Acute myeloid leukemia, adult; AML adult; Acute non-lymphocytic leukemia; Acute granulocytic leukemia; Leukemia, acute myeloid, somatic; Leukemia, acute myelogenous, somatic. Identifiers: Orphanet 519, MedGen C0023467, MeSH D015470, MONDO:0018874, OMIM 601626, HP:0004808. Disease mechanism: Constitutively activated FLT3.

Submissions (2):

Ambry Genetics
Classification: Uncertain significance for Inborn genetic diseases. Last evaluated: 2024-12-20. Review status: criteria provided, single submitter. Criteria: Ambry Variant Classification Scheme 2023. Collection method: clinical testing. Allele origin: germline.
Comment: The c.568_594del27 variant (also known as p.S190_P198del) is located in coding exon 1 of the CEBPA gene. This variant results from an in-frame deletion of 27 nucleotides (TCGCACCCGCACCCGCACCCGCCGCCC) at positions 568 to 594. This results in the in-frame deletion of 9 amino acids (SHPHPHPPP) at codons 190 to 198. This amino acid region is conserved on limited sequence alignment. In addition, the in silico prediction for this alteration is inconclusive (Choi Y et al. PLoS ONE. 2012; 7(10):e46688). Based on the available evidence, the clinical significance of this variant remains unclear.

Labcorp Genetics (formerly Invitae), Labcorp
Classification: Uncertain significance for Acute myeloid leukemia. Last evaluated: 2023-05-25. Review status: criteria provided, single submitter. Criteria: Invitae Variant Classification Sherloc (09022015). Collection method: clinical testing. Allele origin: germline.
Comment: Experimental studies and prediction algorithms are not available or were not evaluated, and the functional significance of this variant is currently unknown. In summary, the available evidence is currently insufficient to determine the role of this variant in disease. Therefore, it has been classified as a Variant of Uncertain Significance. ClinVar contains an entry for this variant (Variation ID: 2090449). This variant has not been reported in the literature in individuals affected with CEBPA-related conditions. The frequency data for this variant in the population databases is considered unreliable, as metrics indicate poor data quality at this position in the gnomAD database. This variant, c.568_594del, results in the deletion of 9 amino acid(s) of the CEBPA protein (p.Ser190_Pro198del), but otherwise preserves the integrity of the reading frame.

NM_004364.5(CEBPA):c.568_594del (p.Ser190_Pro198del)

Gene: CEBPA (CCAAT enhancer binding protein alpha; minus strand). Cytogenetic location: 19q13.11.
Variant type: Deletion.
Coding change: c.568_594del on transcript NM_004364.5 (MANE Select); coding-DNA positions 568 to 594, 27 bases deleted (TCGCACCCGCACCCGCACCCGCCGCCC).
Protein change: p.Ser190_Pro198del.
Molecular consequence: inframe deletion.
Genome position (GRCh38, 1-based): chr19:33,301,821-33,301,847, GGGCGGCGGGTGCGGGTGCGGGTGCGA deleted on the plus strand (TCGCACCCGCACCCGCACCCGCCGCCC on the coding strand, the reverse complement: CEBPA is on the minus strand); deleting any 27 consecutive bases within chr19:33,301,821-33,301,856 gives the same sequence; the c. name uses the placement nearest the transcript's 3' end. VCF-style (leftmost placement, unchanged base first): chr19-33301820-CGGGCGGCGGGTGCGGGTGCGGGTGCGA-C. GRCh37 (hg19) VCF-style: chr19-33792726-CGGGCGGCGGGTGCGGGTGCGGGTGCGA-C.
Other names: c.211_237del, p.Ser71_Pro79del (NM_001285829.2); c.673_699del, p.Ser225_Pro233del (NM_001287424.2); c.526_552del, p.Ser176_Pro184del (NM_001287435.2); c.568_594del27 (NM_004364.3).
Identifiers: ClinVar variation 2090449 (VCV002090449.5), dbSNP rs751616001, ClinGen allele CA9363704.